The following is an entry in ClinVar:

NM_001127208.3(TET2):c.1417T>C (p.Ser473Pro)

Genes: TET2 (tet methylcytosine dioxygenase 2; plus strand), TET2-AS1 (TET2 antisense RNA 1; minus strand). Cytogenetic location: 4q24.
Variant type: single nucleotide variant.
Coding change: c.1417T>C on transcript NM_001127208.3 (MANE Select); coding-DNA position 1417, T replaced by C.
Protein change: p.Ser473Pro; replaces serine 473 with proline.
Molecular consequence: missense variant.
Genome position (GRCh38, 1-based): chr4:105,235,359, T>C. VCF-style: chr4-105235359-T-C. GRCh37 (hg19) VCF-style: chr4-106156516-T-C.
Other names: c.1417T>C, p.Ser473Pro (NM_017628.4); short protein forms S473P.
Identifiers: ClinVar variation 5030716 (VCV005030716.1).

ClinVar aggregate classification (germline): Uncertain significance (1 of 4 stars; one submission).

Submission:

Ambry Genetics
Classification: Uncertain significance. Last evaluated: 2026-07-18. Review status: criteria provided, single submitter. Criteria: Ambry Variant Classification Scheme 2023. Collection method: clinical testing. Allele origin: germline.
Comment: The p.S473P variant (also known as c.1417T>C), located in coding exon 1 of the TET2 gene, results from a T to C substitution at nucleotide position 1417. The serine at codon 473 is replaced by proline, an amino acid with similar properties. This amino acid position is conserved. In addition, this alteration is predicted to be tolerated by in silico analysis. Based on the available evidence, the clinical significance of this variant remains unclear.